The following is an entry in ClinVar:

NC_012920.1(MT-CYB):m.15257_15258delinsAG

Gene: MT-CYB (mitochondrially encoded cytochrome b; plus strand).
Variant type: Indel.
Genome position: chrM-15257-GA-AG.
Identifiers: ClinVar variation 693854 (VCV000693854.1), dbSNP rs1603225179, ClinGen allele CA915952149.

ClinVar aggregate classification (germline): Uncertain significance (1 of 4 stars; one submission).

Conditions:
Leigh syndrome (NULS). Also called: Leigh's necrotizing encephalopathy; Leigh's disease; Leigh's syndrome; LEIGH SYNDROME, NUCLEAR; Leigh Syndrome (mtDNA deletion); Leigh Disease. Identifiers: Orphanet 506, MedGen C2931891, MONDO:0009723, OMIM 256000.

Submission:

Wong Mito Lab, Molecular and Human Genetics, Baylor College of Medicine
Classification: Uncertain significance for Leigh syndrome. Last evaluated: 2019-10-17. Review status: criteria provided, single submitter. Criteria: Modified ACMG Guidelines (Unpublished). Collection method: clinical testing. Allele origin: germline.
Comment: The NC_012920.1:m.15257_15258delinsAG (YP_003024038.1:p.Asp171Ser) variant in MTCYB gene is interpretated to be a Uncertain Significance variant based on the modified ACMG guidelines (unpublished). This variant meets the following evidence codes: PP7